The following is an entry in ClinVar:

NM_000271.5(NPC1):c.833C>T (p.Ala278Val)

Gene: NPC1 (NPC intracellular cholesterol transporter 1; minus strand). Cytogenetic location: 18q11.2.
Variant type: single nucleotide variant.
Coding change: c.833C>T on transcript NM_000271.5 (MANE Select); coding-DNA position 833, C replaced by T.
Protein change: p.Ala278Val; replaces alanine 278 with valine.
Molecular consequence: missense variant.
Genome position (GRCh38, 1-based): chr18:23,560,279, G>A on the plus strand (C>T on the coding strand, the complement: NPC1 is on the minus strand). VCF-style: chr18-23560279-G-A. GRCh37 (hg19) VCF-style: chr18-21140243-G-A.
Other names: short protein forms A278V.
Identifiers: ClinVar variation 2201401 (VCV002201401.3), dbSNP rs751947520, ClinGen allele CA8913631.
Genomic context (GRCh38, chr18:23,560,279, plus strand): 5'-AAAACTGCTTACCTGTAGCACCACACTGCAAAAAATGCTCCAAAAAACACAAGCAAAAAC[G>A]CCATGTAGGTGATCCACATGATGACATACATGGCGTCCAAGCCAAGGATCGTCCAGGGAG-3'
Protein context (NP_000262.2, residues 268-288): MYVIMWITYM[Ala278Val]FLLVFFGAFF

ClinVar aggregate classification (germline): Uncertain significance (1 of 4 stars; one submission).

Conditions:
Niemann-Pick disease, type C1. Also called: NEUROVISCERAL STORAGE DISEASE WITH VERTICAL SUPRANUCLEAR OPHTHALMOPLEGIA; NIEMANN-PICK DISEASE WITH CHOLESTEROL ESTERIFICATION BLOCK; NIEMANN-PICK DISEASE WITHOUT SPHINGOMYELINASE DEFICIENCY; NIEMANN-PICK DISEASE, CHRONIC NEURONOPATHIC FORM; NIEMANN-PICK DISEASE, VARIANT TYPE C1. Identifiers: Orphanet 646, MedGen C3179455, MONDO:0009757, OMIM 257220.

Allele frequency attached by ClinVar (database versions not stated): TOPMed 0.00001; gnomAD 0.00002.
gnomAD v4.1: 27 of 1,613,998 alleles (0.0017%); highest among the groups gnomAD compares: Admixed American, 0.0067%; no homozygotes.

Submission:

Labcorp Genetics (formerly Invitae), Labcorp
Classification: Uncertain significance for Niemann-Pick disease, type C1. Last evaluated: 2024-10-05. Review status: criteria provided, single submitter. Criteria: Invitae Variant Classification Sherloc (09022015). Collection method: clinical testing. Allele origin: germline.
Comment: This sequence change replaces alanine, which is neutral and non-polar, with valine, which is neutral and non-polar, at codon 278 of the NPC1 protein (p.Ala278Val). This variant is present in population databases (rs751947520, gnomAD 0.009%). This variant has not been reported in the literature in individuals affected with NPC1-related conditions. ClinVar contains an entry for this variant (Variation ID: 2201401). Invitae Evidence Modeling of protein sequence and biophysical properties (such as structural, functional, and spatial information, amino acid conservation, physicochemical variation, residue mobility, and thermodynamic stability) indicates that this missense variant is not expected to disrupt NPC1 protein function with a negative predictive value of 95%. In summary, the available evidence is currently insufficient to determine the role of this variant in disease. Therefore, it has been classified as a Variant of Uncertain Significance.